The following is an entry in ClinVar:

NC_000009.12:g.35658038G>C

Gene: RMRP (RNA component of mitochondrial RNA processing endoribonuclease; minus strand). Cytogenetic location: 9p13.3.
Variant type: single nucleotide variant.
Genome position: GRCh38 VCF-style: chr9-35658038-G-C. GRCh37 (hg19) VCF-style: chr9-35658035-G-C.
Other names: NR_003051.3(RMRP):n.-20C>G.
Identifiers: ClinVar variation 533769 (VCV000533769.39), dbSNP rs183974004, ClinGen allele CA5045890.

ClinVar aggregate classification (germline): Benign. Review status: reviewed by expert panel (3 of 4 stars). 8 submissions from 8 submitters: Benign (1). 7 of the submissions do not count toward it. Last evaluated 2026-08-21.

Conditions:
RMRP-related disorder. Also called: RMRP-related condition.
Anauxetic dysplasia. Identifiers: Orphanet 93347, MedGen C1846796, MONDO:0011773.
Metaphyseal chondrodysplasia, McKusick type (CHH). Also called: Cartilage-hair hypoplasia; Cartilage-Hair Hypoplasia (CHH). Identifiers: Orphanet 175, MedGen C0220748, MONDO:0009595, OMIM 250250.

Allele frequency attached by ClinVar (database versions not stated): ExAC 0.00064; TOPMed 0.00458; 1000 Genomes Project 0.00200; 1000 Genomes Project 30x 0.00203.

Submissions (8):

ClinGen Severe Combined Immunodeficiency Variant Curation Expert Panel, ClinGen
Classification: Benign for Metaphyseal chondrodysplasia, McKusick type. Last evaluated: 2026-08-21. Review status: reviewed by expert panel. Criteria: ClinGen SCID ACMG Specifications RMRP V1.3. Collection method: curation. Allele origin: germline. Inheritance: Autosomal recessive inheritance.
Comment: The variant NC_000009.12:g.35658038G>C, also known as n.-20C>G, is present in gnomAD v.4.1.0 at a GrpMax filtering allele frequency of 0.01012, which is higher than the ClinGen SCID VCEP specified BA1 threshold of 0.00400 . Therefore, BA1 is met. In summary, this variant meets the criteria to be classified as Benign for autosomal recessive cartilage-hair hypoplasia based on the ACMG/AMP criteria applied, as specified by the ClinGen SCID VCEP: BA1 (VCEP specifications version 1.3).

Labcorp Genetics (formerly Invitae), Labcorp
Classification: Benign for Anauxetic dysplasia. Last evaluated: 2026-01-31. Review status: criteria provided, single submitter. Criteria: Invitae Variant Classification Sherloc (09022015). Collection method: clinical testing. Allele origin: germline. Not counted in ClinVar's aggregate classification.

CeGaT Center for Human Genetics Tuebingen
Classification: Benign. Last evaluated: 2025-09-01. Review status: criteria provided, single submitter. Criteria: CeGaT Center For Human Genetics Tuebingen Variant Classification Criteria Version 2. Collection method: clinical testing. Allele origin: germline. Affected: yes. Observed: 3 variant alleles. Not counted in ClinVar's aggregate classification.
Comment: RMRP: BS1, BS2

Blueprint Genetics
Classification: Likely benign. Last evaluated: 2024-11-25. Review status: criteria provided, single submitter. Criteria: ACMG Guidelines, 2015. Collection method: clinical testing. Allele origin: germline. Not counted in ClinVar's aggregate classification.

ARUP Laboratories, Molecular Genetics and Genomics, ARUP Laboratories
Classification: Likely benign. Last evaluated: 2023-12-07. Review status: criteria provided, single submitter. Criteria: ARUP Molecular Germline Variant Investigation Process 2024. Collection method: clinical testing. Allele origin: germline. Not counted in ClinVar's aggregate classification.

Women's Health and Genetics/Laboratory Corporation of America, LabCorp
Classification: Benign. Last evaluated: 2022-07-13. Review status: criteria provided, single submitter. Criteria: LabCorp Variant Classification Summary - May 2015. Collection method: clinical testing. Allele origin: germline. Not counted in ClinVar's aggregate classification.
Comment: Variant summary: RMRP n.-20C>G is located in the untranscribed region upstream of the RMRP gene region. This variant is also known as -21C>G. The variant allele was found at a frequency of 0.003 in 149896 control chromosomes, predominantly at a frequency of 0.011 within the African or African-American subpopulation in the gnomAD database, including 1 homozygotes. The observed variant frequency within African or African-American control individuals in the gnomAD database is approximately 1.52 fold of the estimated maximal expected allele frequency for a pathogenic variant in RMRP causing Cartilage-Hair Hypoplasia phenotype (0.0072), strongly suggesting that the variant is a benign polymorphism found primarily in populations of African or African-American origin. To our knowledge, no occurrence of n.-20C>G in individuals affected with Cartilage-Hair Hypoplasia and no experimental evidence demonstrating its impact on protein function have been reported. Two clinical diagnostic laboratories have submitted clinical-significance assessments for this variant to ClinVar after 2014 and classified the variant as benign. Based on the evidence outlined above, the variant was classified as benign.

Natera, Inc.
Classification: Benign for Cartilage-hair hypoplasia. Last evaluated: 2020-04-14. Review status: no assertion criteria provided. Collection method: clinical testing. Allele origin: germline. Not counted in ClinVar's aggregate classification.

PreventionGenetics, part of Exact Sciences
Classification: Benign for RMRP-related condition. Last evaluated: 2019-09-25. Review status: no assertion criteria provided. Collection method: clinical testing. Allele origin: germline. Not counted in ClinVar's aggregate classification.
Comment: This variant is classified as benign based on ACMG/AMP sequence variant interpretation guidelines (Richards et al. 2015 PMID: 25741868, with internal and published modifications).